The following is an entry in ClinVar:

ClinVar aggregate classification (germline): Uncertain significance (1 of 4 stars; one submission).

Conditions:
Inborn genetic diseases. Identifiers: MedGen C0950123, MeSH D030342.

Submission:

Ambry Genetics
Classification: Uncertain significance for Inborn genetic diseases. Last evaluated: 2025-04-21. Review status: criteria provided, single submitter. Criteria: Ambry Variant Classification Scheme 2023. Collection method: clinical testing. Allele origin: germline.
Comment: The p.F166L variant (also known as c.496T>C), located in coding exon 5 of the FANCA gene, results from a T to C substitution at nucleotide position 496. The phenylalanine at codon 166 is replaced by leucine, an amino acid with highly similar properties. This amino acid position is conserved. In addition, the in silico prediction for this alteration is inconclusive. Based on the available evidence, the clinical significance of this variant remains unclear.

NM_000135.4(FANCA):c.496T>C (p.Phe166Leu)

Gene: FANCA (FA complementation group A; minus strand). Cytogenetic location: 16q24.3.
Variant type: single nucleotide variant.
Coding change: c.496T>C on transcript NM_000135.4 (MANE Select); coding-DNA position 496, T replaced by C.
Protein change: p.Phe166Leu; replaces phenylalanine 166 with leucine.
Molecular consequence: missense variant. On other transcripts: intron variant (1).
Genome position (GRCh38, 1-based): chr16:89,810,733, A>G on the plus strand (T>C on the coding strand, the complement: FANCA is on the minus strand). VCF-style: chr16-89810733-A-G. GRCh37 (hg19) VCF-style: chr16-89877141-A-G.
Other names: c.496T>C, p.Phe166Leu (NM_001018112.3, NM_001286167.3); c.426+196T>C (NM_001351830.2); short protein forms F166L.
Identifiers: ClinVar variation 4022214 (VCV004022214.1).